The following is an entry in ClinVar:

NM_001130987.2(DYSF):c.4358C>T (p.Ala1453Val)

Gene: DYSF (dysferlin; plus strand). Cytogenetic location: 2p13.2.
Variant type: single nucleotide variant.
Coding change: c.4358C>T on transcript NM_001130987.2 (MANE Select); coding-DNA position 4358, C replaced by T.
Protein change: p.Ala1453Val; replaces alanine 1453 with valine.
Molecular consequence: missense variant.
Genome position (GRCh38, 1-based): chr2:71,612,777, C>T. VCF-style: chr2-71612777-C-T. GRCh37 (hg19) VCF-style: chr2-71839907-C-T.
Other names: c.4307C>T, p.Ala1436Val (NM_001130455.2, NM_001130983.2); c.4262C>T, p.Ala1421Val (NM_001130976.2, NM_001130977.2); c.4304C>T, p.Ala1435Val (NM_001130978.2, NM_003494.4); c.4397C>T, p.Ala1466Val (NM_001130979.2); c.4355C>T, p.Ala1452Val (NM_001130980.2, NM_001130981.2); c.4400C>T, p.Ala1467Val (NM_001130982.2); c.4265C>T, p.Ala1422Val (NM_001130984.2, NM_001130986.2); c.4358C>T, p.Ala1453Val (NM_001130985.2); short protein forms A1435V, A1453V, A1467V, A1421V, A1422V, A1436V, A1452V, A1466V.
Identifiers: ClinVar variation 498599 (VCV000498599.14), dbSNP rs754979997, ClinGen allele CA1706974.

ClinVar aggregate classification (germline): Uncertain significance. Review status: criteria provided, multiple submitters, no conflicts (2 of 4 stars). 4 submissions from 4 submitters: Uncertain significance (3). 1 of the submissions does not count toward it. Last evaluated 2022-04-28.

Conditions:
Neuromuscular disease caused by qualitative or quantitative defects of dysferlin. Also called: Dysferlinopathy; Qualitative or quantitative defects of dysferlin. Identifiers: Orphanet 207073, MedGen C2931687, MONDO:0016145.
Autosomal recessive limb-girdle muscular dystrophy type 2B (LGMDR2). Also called: MUSCULAR DYSTROPHY, LIMB-GIRDLE, AUTOSOMAL RECESSIVE 2; MUSCULAR DYSTROPHY, LIMB-GIRDLE, TYPE 3; Limb-girdle muscular dystrophy, type 2B; Limb-Girdle Muscular Dystrophy Type 2B (LGMD2B). Identifiers: Orphanet 268, MedGen C1850889, MONDO:0009676, OMIM 253601.

Allele frequency attached by ClinVar (database versions not stated): ExAC 0.00002; gnomAD exomes 0.00002; gnomAD 0.00004.
gnomAD v4.1: 32 of 1,613,722 alleles (0.002%); highest among the groups gnomAD compares: African/African-American, 0.008%; no homozygotes.

Submissions (4):

Labcorp Genetics (formerly Invitae), Labcorp
Classification: Uncertain significance for Neuromuscular disease caused by qualitative or quantitative defects of dysferlin. Last evaluated: 2022-04-28. Review status: criteria provided, single submitter. Criteria: Invitae Variant Classification Sherloc (09022015). Collection method: clinical testing. Allele origin: germline.
Comment: This sequence change replaces alanine, which is neutral and non-polar, with valine, which is neutral and non-polar, at codon 1435 of the DYSF protein (p.Ala1435Val). This variant is present in population databases (rs754979997, gnomAD 0.007%). This variant has not been reported in the literature in individuals affected with DYSF-related conditions. ClinVar contains an entry for this variant (Variation ID: 498599). Advanced modeling of protein sequence and biophysical properties (such as structural, functional, and spatial information, amino acid conservation, physicochemical variation, residue mobility, and thermodynamic stability) performed at Invitae indicates that this missense variant is not expected to disrupt DYSF protein function. In summary, the available evidence is currently insufficient to determine the role of this variant in disease. Therefore, it has been classified as a Variant of Uncertain Significance.

Mayo Clinic Laboratories, Mayo Clinic
Classification: Uncertain significance. Last evaluated: 2019-10-09. Review status: criteria provided, single submitter. Criteria: ACMG Guidelines, 2015. Collection method: clinical testing. Allele origin: germline. Observed: 1 variant allele.

Eurofins Ntd Llc (ga)
Classification: Uncertain significance. Last evaluated: 2016-12-21. Review status: criteria provided, single submitter. Criteria: EGL Classification Definitions 2015. Collection method: clinical testing. Allele origin: germline. Observed: 1 variant allele, 1 heterozygote.

Natera, Inc.
Classification: Uncertain significance for Limb-girdle muscular dystrophy type 2B. Last evaluated: 2020-07-02. Review status: no assertion criteria provided. Collection method: clinical testing. Allele origin: germline. Not counted in ClinVar's aggregate classification.